The following is an entry in ClinVar:

ClinVar aggregate classification (germline): Uncertain significance (1 of 4 stars; one submission).

Conditions:
Primary ciliary dyskinesia. Also called: Ciliary dyskinesia. Identifiers: Orphanet 244, MedGen C0008780, MONDO:0016575, HP:0012265.

Allele frequency attached by ClinVar (database versions not stated): ExAC 0.00001; gnomAD 0.00001; TOPMed 0.00001; gnomAD exomes 0.00003.
gnomAD v4.1: 39 of 1,609,354 alleles (0.0024%); highest among the groups gnomAD compares: Non-Finnish European, 0.0032%; no homozygotes.

Submission:

Labcorp Genetics (formerly Invitae), Labcorp
Classification: Uncertain significance for Primary ciliary dyskinesia. Last evaluated: 2022-10-14. Review status: criteria provided, single submitter. Criteria: Invitae Variant Classification Sherloc (09022015). Collection method: clinical testing. Allele origin: germline.
Comment: This sequence change falls in intron 11 of the DNAAF3 gene. It does not directly change the encoded amino acid sequence of the DNAAF3 protein. This variant is present in population databases (rs766394618, gnomAD 0.004%). This variant has not been reported in the literature in individuals affected with DNAAF3-related conditions. Algorithms developed to predict the effect of sequence changes on RNA splicing suggest that this variant may disrupt the consensus splice site. In summary, the available evidence is currently insufficient to determine the role of this variant in disease. Therefore, it has been classified as a Variant of Uncertain Significance.

NM_001256715.2(DNAAF3):c.1239-20A>G

Genes: DNAAF3 (dynein axonemal assembly factor 3; minus strand), DNAAF3-AS1 (DNAAF3 antisense RNA 1; plus strand). Cytogenetic location: 19q13.42.
Variant type: single nucleotide variant.
Coding change: c.1239-20A>G on transcript NM_001256715.2 (MANE Select); 20 bases into the intron before coding-DNA position 1239, A replaced by G.
Molecular consequence: intron variant.
Genome position (GRCh38, 1-based): chr19:55,159,469, T>C on the plus strand (A>G on the coding strand, the complement: DNAAF3 is on the minus strand). VCF-style: chr19-55159469-T-C. GRCh37 (hg19) VCF-style: chr19-55670837-T-C.
Other names: c.1380-20A>G (NM_178837.4); c.1440-20A>G (NM_001256714.1); c.1077-20A>G (NM_001256716.2).
Identifiers: ClinVar variation 2046746 (VCV002046746.1), dbSNP rs766394618, ClinGen allele CA9667825.